The following is an entry in ClinVar:

NM_006415.4(SPTLC1):c.261C>T (p.Gly87=)

Gene: SPTLC1 (serine palmitoyltransferase long chain base subunit 1; minus strand). Cytogenetic location: 9q22.31.
Variant type: single nucleotide variant.
Coding change: c.261C>T on transcript NM_006415.4 (MANE Select); coding-DNA position 261, C replaced by T.
Protein change: p.Gly87=; no amino-acid change (glycine 87 retained).
Molecular consequence: synonymous variant. On other transcripts: 5 prime UTR variant (2).
Genome position (GRCh38, 1-based): chr9:92,080,963, G>A on the plus strand (C>T on the coding strand, the complement: SPTLC1 is on the minus strand). VCF-style: chr9-92080963-G-A. GRCh37 (hg19) VCF-style: chr9-94843245-G-A.
Other names: c.261C>T (LRG_272t1); c.261C>T, p.Gly87= (NM_001281303.2, NM_178324.3); c.-239C>T (NM_001368272.1); c.-205C>T (NM_001368273.1).
Identifiers: ClinVar variation 197278 (VCV000197278.31), dbSNP rs151283029, ClinGen allele CA202792.

ClinVar aggregate classification (germline): Likely benign. Review status: criteria provided, multiple submitters, no conflicts (2 of 4 stars). 8 submissions from 8 submitters: Likely benign (7). 1 of the submissions does not count toward it. Last evaluated 2025-11-18.

Conditions:
SPTLC1-related disorder. Also called: SPTLC1-related condition.
Inborn genetic diseases. Identifiers: MedGen C0950123, MeSH D030342.
Neuropathy, hereditary sensory and autonomic, type 1A (HSAN1A). Also called: NEUROPATHY, HEREDITARY SENSORY AND AUTONOMIC, TYPE IA; HSAN IA; HSN IA; NEUROPATHY, HEREDITARY SENSORY RADICULAR, AUTOSOMAL DOMINANT, TYPE 1A; SPTLC1-Related Hereditary Sensory Neuropathy. Identifiers: MedGen C5235211, MONDO:0008086, OMIM 162400.
Hereditary sensory and autonomic neuropathy type 1 (HSAN1). Also called: HSN Type I; Hereditary Sensory Neuropathy Type I; HSAN 1. Identifiers: Orphanet 36386, MedGen C0020071, MONDO:0018213.

Allele frequency attached by ClinVar (database versions not stated): TOPMed 0.00152; gnomAD 0.00153 and 0.00138; 1000 Genomes Project 0.00040; ESP Exome Variant Server 0.00138; gnomAD exomes 0.00012 and 0.00030; ExAC 0.00033; 1000 Genomes Project 30x 0.00047.
gnomAD v4.1: 377 of 1,612,362 alleles (0.023%); highest among the groups gnomAD compares: African/African-American, 0.46%; 1 homozygote.

Submissions (8):

Labcorp Genetics (formerly Invitae), Labcorp
Classification: Likely benign for Hereditary sensory and autonomic neuropathy type 1. Last evaluated: 2025-11-18. Review status: criteria provided, single submitter. Criteria: Invitae Variant Classification Sherloc (09022015). Collection method: clinical testing. Allele origin: germline.

Blueprint Genetics
Classification: Likely benign. Last evaluated: 2024-03-01. Review status: criteria provided, single submitter. Criteria: ACMG Guidelines, 2015. Collection method: clinical testing. Allele origin: germline.

Fulgent Genetics
Classification: Likely benign for Neuropathy, hereditary sensory and autonomic, type 1A. Last evaluated: 2021-12-17. Review status: criteria provided, single submitter. Criteria: ACMG Guidelines, 2015. Collection method: clinical testing. Allele origin: unknown.

Ambry Genetics
Classification: Likely benign for Inborn genetic diseases. Last evaluated: 2020-11-25. Review status: criteria provided, single submitter. Criteria: Ambry Variant Classification Scheme 2023. Collection method: clinical testing. Allele origin: germline.

GeneDx
Classification: Likely benign. Last evaluated: 2020-03-26. Review status: criteria provided, single submitter. Criteria: GeneDx Variant Classification Process June 2021. Collection method: clinical testing. Allele origin: germline. Affected: yes.

ARUP Laboratories, Molecular Genetics and Genomics, ARUP Laboratories
Classification: Likely benign for Neuropathy, hereditary sensory and autonomic, type 1A. Last evaluated: 2020-03-13. Review status: criteria provided, single submitter. Criteria: ARUP Molecular Germline Variant Investigation Process. Collection method: clinical testing. Allele origin: germline.

Eurofins Ntd Llc (ga)
Classification: Likely benign. Last evaluated: 2015-04-21. Review status: criteria provided, single submitter. Criteria: EGL Classification Definitions 2015. Collection method: clinical testing. Allele origin: germline. Observed: 1 variant allele, 1 heterozygote.

PreventionGenetics, part of Exact Sciences
Classification: Likely benign for SPTLC1-related condition. Last evaluated: 2020-06-09. Review status: no assertion criteria provided. Collection method: clinical testing. Allele origin: germline. Not counted in ClinVar's aggregate classification.
Comment: This variant is classified as likely benign based on ACMG/AMP sequence variant interpretation guidelines (Richards et al. 2015 PMID: 25741868, with internal and published modifications).